The following is an entry in ClinVar:

NM_001145026.2(PTPRQ):c.5408T>C (p.Val1803Ala)

Gene: PTPRQ (protein tyrosine phosphatase receptor type Q; plus strand). Cytogenetic location: 12q21.31.
Variant type: single nucleotide variant.
Coding change: c.5408T>C on transcript NM_001145026.2 (MANE Select); coding-DNA position 5408, T replaced by C.
Protein change: p.Val1803Ala; replaces valine 1803 with alanine.
Molecular consequence: missense variant.
Genome position (GRCh38, 1-based): chr12:80,620,172, T>C. VCF-style: chr12-80620172-T-C. GRCh37 (hg19) VCF-style: chr12-81013951-T-C.
Other names: short protein forms V1803A.
Identifiers: ClinVar variation 3039950 (VCV003039950.1), dbSNP rs2541681928, ClinGen allele CA385940742.
Genomic context (GRCh38, chr12:80,620,172, plus strand): 5'-TATGTTACTTGGAATTATTGTTCTCTTTGTTTCTGAAAACAGCTCAGCATGATGGAAATG[T>C]AACAAAGTGGTATGATGCATATTTTAATAAAGCAAGGCCATATTTTACAAATGAAGGCTT-3'
Protein context (NP_001138498.1, residues 1793-1813): TETGAQHDGN[Val1803Ala]TKWYDAYFNK

ClinVar aggregate classification (germline): Likely benign (1 of 4 stars; one submission).

Conditions:
PTPRQ-related disorder. Also called: PTPRQ-related condition.

Submission:

PreventionGenetics, part of Exact Sciences
Classification: Likely benign for PTPRQ-related condition. Last evaluated: 2019-10-28. Review status: criteria provided, single submitter. Criteria: ACMG Guidelines, 2015. Collection method: clinical testing. Allele origin: germline.
Comment: This variant is classified as likely benign based on ACMG/AMP sequence variant interpretation guidelines (Richards et al. 2015 PMID: 25741868, with internal and published modifications).